The following is an entry in ClinVar:

ClinVar aggregate classification (germline): Uncertain significance (1 of 4 stars; one submission).

Submission:

GeneDx
Classification: Uncertain significance. Last evaluated: 2025-01-23. Review status: criteria provided, single submitter. Criteria: GeneDx Variant Classification Process June 2021. Collection method: clinical testing. Allele origin: germline. Affected: yes.
Comment: In silico analysis indicates that this missense variant does not alter protein structure/function; Has not been previously published as pathogenic or benign to our knowledge

NM_004917.5(KLK4):c.238G>A (p.Gly80Arg)

Gene: KLK4 (kallikrein related peptidase 4; minus strand). Cytogenetic location: 19q13.41.
Variant type: single nucleotide variant.
Coding change: c.238G>A on transcript NM_004917.5 (MANE Select); coding-DNA position 238, G replaced by A.
Protein change: p.Gly80Arg; replaces glycine 80 with arginine.
Molecular consequence: missense variant. On other transcripts: 5 prime UTR variant (1), non-coding transcript variant (1).
Genome position (GRCh38, 1-based): chr19:50,908,816, C>T on the plus strand (G>A on the coding strand, the complement: KLK4 is on the minus strand). VCF-style: chr19-50908816-C-T. GRCh37 (hg19) VCF-style: chr19-51412072-C-T.
Other names: c.-48G>A (NM_001302961.2); short protein forms G80R.
Identifiers: ClinVar variation 4072538 (VCV004072538.1).
Genomic context (GRCh38, chr19:50,908,816, plus strand): 5'-TGGCCTCCACCATCTGGCTCCCTGGCTCTTGGTCGGCCTCAAGACTGTGCAGGCCCAGCC[C>T]GATGGTGTAGGAGCTGTGGGCCACGGAGGGCAGGTCAGTTTTGTGGCAACTACATCCTTA-3'
Protein context (NP_004908.4, residues 70-90): AHCFQNSYTI[Gly80Arg]LGLHSLEADQ